The following is an entry in ClinVar:

NM_015028.4(TNIK):c.1533G>A (p.Arg511=)

Gene: TNIK (TRAF2 and NCK interacting kinase; minus strand). Cytogenetic location: 3q26.2.
Variant type: single nucleotide variant.
Coding change: c.1533G>A on transcript NM_015028.4 (MANE Select); coding-DNA position 1533, G replaced by A.
Protein change: p.Arg511=; no amino-acid change (arginine 511 retained).
Molecular consequence: synonymous variant.
Genome position (GRCh38, 1-based): chr3:171,138,266, C>T on the plus strand (G>A on the coding strand, the complement: TNIK is on the minus strand). VCF-style: chr3-171138266-C-T. GRCh37 (hg19) VCF-style: chr3-170856055-C-T.
Other names: c.1533G>A, p.Arg511= (NM_001161560.3, NM_001161563.3, NM_001161564.3); c.1446G>A, p.Arg482= (NM_001161561.3, NM_001161562.3, NM_001161565.3 and 1 more transcripts).
Identifiers: ClinVar variation 790263 (VCV000790263.38), dbSNP rs61740073, ClinGen allele CA2703469.

ClinVar aggregate classification (germline): Likely benign. Review status: criteria provided, multiple submitters, no conflicts (2 of 4 stars). 2 submissions from 2 submitters: Likely benign (2). Last evaluated 2025-01-01.

Allele frequency attached by ClinVar (database versions not stated): gnomAD exomes 0.00072 and 0.00157; gnomAD 0.00080 and 0.00082; ExAC 0.00085; TOPMed 0.00092; ESP Exome Variant Server 0.00104.
gnomAD v4.1: 2,439 of 1,613,564 alleles (0.15%); highest among the groups gnomAD compares: Non-Finnish European, 0.19%; 4 homozygotes.

Submissions (2):

CeGaT Center for Human Genetics Tuebingen
Classification: Likely benign. Last evaluated: 2025-01-01. Review status: criteria provided, single submitter. Criteria: CeGaT Center For Human Genetics Tuebingen Variant Classification Criteria Version 2. Collection method: clinical testing. Allele origin: germline. Affected: yes. Observed: 7 variant alleles.
Comment: TNIK: BP4, BP7

Labcorp Genetics (formerly Invitae), Labcorp
Classification: Likely benign. Last evaluated: 2019-12-31. Review status: criteria provided, single submitter. Criteria: Invitae Variant Classification Sherloc (09022015). Collection method: clinical testing. Allele origin: germline.